The following is an entry in ClinVar:

NM_000543.5(SMPD1):c.1111_1112del (p.Leu371fs)

Gene: SMPD1 (sphingomyelin phosphodiesterase 1; plus strand). Cytogenetic location: 11p15.4.
Variant type: Microsatellite.
Coding change: c.1111_1112del on transcript NM_000543.5 (MANE Select); coding-DNA positions 1111 to 1112, 2 bases deleted (CT; older notation c.1111_1112delCT).
Protein change: p.Leu371fs; shifts the reading frame from leucine 371.
Molecular consequence: frameshift variant. On other transcripts: non-coding transcript variant (1), intron variant (1).
Genome position (GRCh38, 1-based): chr11:6,393,235-6,393,236, CT deleted; deleting any 2 consecutive bases within chr11:6,393,233-6,393,236 gives the same sequence; the c. name uses the placement nearest the transcript's 3' end. VCF-style (leftmost placement, unchanged base first): chr11-6393232-GCT-G. GRCh37 (hg19) VCF-style: chr11-6414462-GCT-G.
Other names: c.1108_1109del, p.Leu370fs (NM_001007593.3); c.1111_1112del, p.Leu371fs (NM_001318087.2); c.190_191del, p.Leu64fs (NM_001318088.2); c.1132-382_1132-381del (NM_001365135.2); short protein forms L371fs, L64fs, L370fs.
Identifiers: ClinVar variation 188853 (VCV000188853.7), dbSNP rs786204514, ClinGen allele CA274041.

ClinVar aggregate classification (germline): Pathogenic. Review status: criteria provided, multiple submitters, no conflicts (2 of 4 stars). 3 submissions from 3 submitters: Pathogenic (2). 1 of the submissions does not count toward it. Last evaluated 2023-03-18.

Conditions:
Niemann-Pick disease, type B. Also called: Chronic Visceral ASMD (Niemann-Pick Disease Type B; NPD-B). Identifiers: Orphanet 77293, MedGen C0268243, MONDO:0011871, OMIM 607616. Disease mechanism: loss of function.
Niemann-Pick disease, type A. Also called: Infantile Neurovisceral ASMD (Niemann-Pick Disease Type A; NPD-A); SPHINGOMYELIN LIPIDOSIS; SPHINGOMYELINASE DEFICIENCY. Identifiers: Orphanet 77292, MedGen C0268242, MONDO:0009756, OMIM 257200. Disease mechanism: loss of function.

Submissions (3):

Labcorp Genetics (formerly Invitae), Labcorp
Classification: Pathogenic for Niemann-Pick disease, type B; Niemann-Pick disease, type A. Last evaluated: 2023-03-18. Review status: criteria provided, single submitter. Criteria: Invitae Variant Classification Sherloc (09022015). Collection method: clinical testing. Allele origin: germline.
Comment: For these reasons, this variant has been classified as Pathogenic. ClinVar contains an entry for this variant (Variation ID: 188853). This variant is also known as c.1110_1111delTC. This premature translational stop signal has been observed in individual(s) with clinical features of Niemann-Pick disease (PMID: 34554397). This variant is not present in population databases (gnomAD no frequency). This sequence change creates a premature translational stop signal (p.Leu371Phefs*19) in the SMPD1 gene. It is expected to result in an absent or disrupted protein product. Loss-of-function variants in SMPD1 are known to be pathogenic (PMID: 12369017, 15221801).

Women's Health and Genetics/Laboratory Corporation of America, LabCorp
Classification: Pathogenic for Niemann-Pick disease, type A. Last evaluated: 2020-08-31. Review status: criteria provided, single submitter. Criteria: LabCorp Variant Classification Summary - May 2015. Collection method: clinical testing. Allele origin: germline.
Comment: Variant summary: SMPD1 c.1111_1112delCT (p.Leu371PhefsX19) results in a premature termination codon, predicted to cause a truncation of the encoded protein or absence of the protein due to nonsense mediated decay, which are commonly known mechanisms for disease. Truncations downstream of this position have been classified as pathogenic by our laboratory. The variant was absent in 249166 control chromosomes. c.1111_1112delCT has been reported in the literature in at-least one individual affected with Niemann-Pick Disease Type A and has been subsequently cited by others (example, Ricci_2004, Zampieri_2016). To our knowledge, no experimental evidence demonstrating an impact on protein function has been reported. No clinical diagnostic laboratories have submitted clinical-significance assessments for this variant to ClinVar after 2014. Based on the evidence outlined above, the variant was classified as pathogenic.

Counsyl
Classification: Likely pathogenic for Niemann-Pick disease, type A. Last evaluated: 2014-06-26. Review status: no assertion criteria provided. Collection method: literature only. Allele origin: unknown. Inheritance: Autosomal recessive inheritance. Not counted in ClinVar's aggregate classification.

Literature cited by the submitters: PubMed 34554397 (cited by Labcorp Genetics (formerly Invitae), Labcorp); PubMed 12369017 (cited by Labcorp Genetics (formerly Invitae), Labcorp); PubMed 15221801 (cited by 3 submitters); PubMed 26499107 (cited by Women's Health and Genetics/Laboratory Corporation of America, LabCorp); PubMed 18052040 (cited by Counsyl).